The following is an entry in ClinVar:

ClinVar aggregate classification (germline): Likely benign (1 of 4 stars; one submission).

Submission:

CeGaT Center for Human Genetics Tuebingen
Classification: Likely benign. Last evaluated: 2026-05-01. Review status: criteria provided, single submitter. Criteria: CeGaT Center For Human Genetics Tuebingen Variant Classification Criteria Version 2. Collection method: clinical testing. Allele origin: germline. Affected: yes. Observed: 1 variant allele.
Comment: CIC: PM2:Supporting, BP4, BP7

NM_001386298.1(CIC):c.2904G>A (p.Gln968=)

Gene: CIC (capicua transcriptional repressor; plus strand). Cytogenetic location: 19q13.2.
Variant type: single nucleotide variant.
Coding change: c.2904G>A on transcript NM_001386298.1 (MANE Select); coding-DNA position 2904, G replaced by A.
Protein change: p.Gln968=; no amino-acid change (glutamine 968 retained).
Molecular consequence: synonymous variant.
Genome position (GRCh38, 1-based): chr19:42,286,880, G>A. VCF-style: chr19-42286880-G-A. GRCh37 (hg19) VCF-style: chr19-42791032-G-A.
Other names: c.2904G>A, p.Gln968= (NM_001304815.2, NM_001379480.1, NM_001379482.1 and 6 more transcripts); c.177G>A, p.Gln59= (NM_001379484.1, NM_001379485.1, NM_001439189.1 and 3 more transcripts).
Identifiers: ClinVar variation 4874850 (VCV004874850.2).